The following is an entry in ClinVar:

NM_013247.5(HTRA2):c.421G>T (p.Ala141Ser)

Gene: HTRA2 (HtrA serine peptidase 2; plus strand). Cytogenetic location: 2p13.1.
Variant type: single nucleotide variant.
Coding change: c.421G>T on transcript NM_013247.5 (MANE Select); coding-DNA position 421, G replaced by T.
Protein change: p.Ala141Ser; replaces alanine 141 with serine.
Molecular consequence: missense variant. On other transcripts: non-coding transcript variant (1).
Genome position (GRCh38, 1-based): chr2:74,530,427, G>T. VCF-style: chr2-74530427-G-T. GRCh37 (hg19) VCF-style: chr2-74757554-G-T.
Other names: c.421G>T, p.Ala141Ser (NM_001321727.1, NM_001321728.1, NM_145074.2); short protein forms A141S.
Identifiers: ClinVar variation 4342 (VCV000004342.19), dbSNP rs72470544, ClinGen allele CA023414.

ClinVar aggregate classification (germline): Benign. Review status: criteria provided, multiple submitters, no conflicts (2 of 4 stars). 8 submissions from 8 submitters: Benign (7). 1 of the submissions does not count toward it. Last evaluated 2026-02-04.

Conditions:
Parkinson disease 13, autosomal dominant, susceptibility to. Identifiers: Orphanet 2828, MedGen C1853202, MONDO:0012466, OMIM 610297.
3-methylglutaconic aciduria type 8. Also called: 3-methylglutaconic aciduria, type VIII. Identifiers: Orphanet 505208, MedGen C4310650, MONDO:0044723, OMIM 617248.

Allele frequency attached by ClinVar (database versions not stated): TOPMed 0.01664; gnomAD 0.01723 and 0.01709; gnomAD exomes 0.01912 and 0.02414; 1000 Genomes Project 0.01218; ExAC 0.02660; 1000 Genomes Project 30x 0.01265.
gnomAD v4.1: 37,545 of 1,603,176 alleles (2.3%); highest among the groups gnomAD compares: Middle Eastern, 3.5%; 485 homozygotes.

Submissions (8):

Labcorp Genetics (formerly Invitae), Labcorp
Classification: Benign. Last evaluated: 2026-02-04. Review status: criteria provided, single submitter. Criteria: Invitae Variant Classification Sherloc (09022015). Collection method: clinical testing. Allele origin: germline.

Mayo Clinic Laboratories, Mayo Clinic
Classification: Benign. Last evaluated: 2023-03-02. Review status: criteria provided, single submitter. Criteria: ACMG Guidelines, 2015. Collection method: clinical testing. Allele origin: germline. Observed: 36 variant alleles.
Comment: BS1, BS2, BP4

Department of Pathology and Laboratory Medicine, Sinai Health System
Classification: Benign for Parkinson disease 13, autosomal dominant, susceptibility to; 3-methylglutaconic aciduria type 8. Last evaluated: 2022-11-18. Review status: criteria provided, single submitter. Criteria: ACMG Guidelines, 2015. Collection method: research. Allele origin: germline.

Fulgent Genetics
Classification: Benign for Parkinson disease 13, autosomal dominant, susceptibility to; 3-methylglutaconic aciduria type 8. Last evaluated: 2021-10-15. Review status: criteria provided, single submitter. Criteria: ACMG Guidelines, 2015. Collection method: clinical testing. Allele origin: unknown.

GeneDx
Classification: Benign. Last evaluated: 2018-07-10. Review status: criteria provided, single submitter. Criteria: GeneDx Variant Classification Process June 2021. Collection method: clinical testing. Allele origin: germline. Affected: yes.
Comment: This variant is associated with the following publications: (PMID: 15961413, 29372317)

Illumina Laboratory Services, Illumina
Classification: Benign for Parkinson disease 13, autosomal dominant, susceptibility to. Last evaluated: 2018-03-06. Review status: criteria provided, single submitter. Criteria: ICSL Variant Classification Criteria 13 December 2019. Collection method: clinical testing. Allele origin: germline.
Comment: This variant was observed in the ICSL laboratory as part of a predisposition screen in an ostensibly healthy population. It had not been previously curated by ICSL or reported in the Human Gene Mutation Database (HGMD: prior to June 1st, 2018), and was therefore a candidate for classification through an automated scoring system. Utilizing variant allele frequency, disease prevalence and penetrance estimates, and inheritance mode, an automated score was calculated to assess if this variant is too frequent to cause the disease. Based on the score and internal cut-off values, a variant classified as benign is not then subjected to further curation. The score for this variant resulted in a classification of benign for this disease.

Breakthrough Genomics
Classification: Benign. Review status: criteria provided, single submitter. Criteria: ACMG Guidelines, 2015. Collection method: not provided. Allele origin: germline. Inheritance: Autosomal recessive inheritance. Affected: yes.

OMIM
Classification: Uncertain significance for RECLASSIFIED - VARIANT OF UNKNOWN SIGNIFICANCE. Last evaluated: 2008-07-01. Review status: no assertion criteria provided. Collection method: literature only. Allele origin: germline. Not counted in ClinVar's aggregate classification.

Literature cited by the submitters: PubMed 15961413 (cited by Mayo Clinic Laboratories, Mayo Clinic and OMIM); PubMed 18364387 (cited by Mayo Clinic Laboratories, Mayo Clinic and OMIM); PubMed 18401856 (cited by Mayo Clinic Laboratories, Mayo Clinic and OMIM); Hamosh, A. Personal Communication. 2019. Baltimore, Md. (cited by OMIM).